The following is an entry in ClinVar:

NM_005811.5(GDF11):c.1166A>G (p.Gln389Arg)

Gene: GDF11 (growth differentiation factor 11; plus strand). Cytogenetic location: 12q13.2.
Variant type: single nucleotide variant.
Coding change: c.1166A>G on transcript NM_005811.5 (MANE Select); coding-DNA position 1166, A replaced by G.
Protein change: p.Gln389Arg; replaces glutamine 389 with arginine.
Molecular consequence: missense variant.
Genome position (GRCh38, 1-based): chr12:55,749,824, A>G. VCF-style: chr12-55749824-A-G. GRCh37 (hg19) VCF-style: chr12-56143608-A-G.
Other names: short protein forms Q389R.
Identifiers: ClinVar variation 5018421 (VCV005018421.1).

ClinVar aggregate classification (germline): Uncertain significance (1 of 4 stars; one submission).

Submission:

GeneDx
Classification: Uncertain significance. Last evaluated: 2026-04-11. Review status: criteria provided, single submitter. Criteria: GeneDx Variant Classification Process June 2021. Collection method: clinical testing. Allele origin: germline.
Comment: Not observed at significant frequency in large population cohorts (gnomAD); In silico analysis suggests that this missense variant does not alter protein structure/function; Has not been previously published as pathogenic or benign to our knowledge